The following is an entry in ClinVar:

NM_003072.5(SMARCA4):c.2524C>T (p.Arg842Trp)

Gene: SMARCA4 (SWI/SNF related BAF chromatin remodeling complex subunit ATPase 4; plus strand). Cytogenetic location: 19p13.2.
Variant type: single nucleotide variant.
Coding change: c.2524C>T on transcript NM_003072.5 (MANE Select); coding-DNA position 2524, C replaced by T.
Protein change: p.Arg842Trp; replaces arginine 842 with tryptophan.
Molecular consequence: missense variant. On other transcripts: non-coding transcript variant (1).
Genome position (GRCh38, 1-based): chr19:11,019,609, C>T. VCF-style: chr19-11019609-C-T. GRCh37 (hg19) VCF-style: chr19-11130285-C-T.
Other names: c.2524C>T, p.Arg842Trp (NM_001128844.3, NM_001128845.2, NM_001128846.2 and 6 more transcripts); c.2524C>T (NM_001128849.2); short protein forms R842W.
Identifiers: ClinVar variation 2866140 (VCV002866140.4), dbSNP rs1600257687, ClinGen allele CA404054279.

ClinVar aggregate classification (germline): Uncertain significance. Review status: criteria provided, multiple submitters, no conflicts (2 of 4 stars). 2 submissions from 2 submitters: Uncertain significance (2). Last evaluated 2025-02-05.

Conditions:
Rhabdoid tumor predisposition syndrome 2 (RTPS2). Identifiers: Orphanet 231108, Orphanet 69077, MedGen C2750074, MONDO:0013224, OMIM 613325.

Submissions (2):

St. Jude Molecular Pathology, St. Jude Children's Research Hospital
Classification: Uncertain significance for Rhabdoid tumor predisposition syndrome 2. Last evaluated: 2025-02-05. Review status: criteria provided, single submitter. Criteria: St. Jude Assertion Criteria 2020. Collection method: clinical testing. Allele origin: germline.
Comment: The SMARCA4 c.2524C>T (p.Arg842Trp) missense change is absent in gnomAD v2.1.1. The in silico tool REVEL is inconclusive about a pathogenic or benign effect of this variant on protein function, and to our knowledge functional studies have not been performed. To our knowledge, this variant has not been reported in individuals with rhabdoid tumor predisposition syndrome. In summary, the evidence currently available is insufficient to determine the clinical significance of this variant. It has therefore been classified as of uncertain significance.

Labcorp Genetics (formerly Invitae), Labcorp
Classification: Uncertain significance for Rhabdoid tumor predisposition syndrome 2. Last evaluated: 2023-05-20. Review status: criteria provided, single submitter. Criteria: Invitae Variant Classification Sherloc (09022015). Collection method: clinical testing. Allele origin: germline.
Comment: This variant has not been reported in the literature in individuals affected with SMARCA4-related conditions. This sequence change replaces arginine, which is basic and polar, with tryptophan, which is neutral and slightly polar, at codon 842 of the SMARCA4 protein (p.Arg842Trp). This variant is not present in population databases (gnomAD no frequency). Advanced modeling of protein sequence and biophysical properties (such as structural, functional, and spatial information, amino acid conservation, physicochemical variation, residue mobility, and thermodynamic stability) performed at Invitae indicates that this missense variant is expected to disrupt SMARCA4 protein function. In summary, the available evidence is currently insufficient to determine the role of this variant in disease. Therefore, it has been classified as a Variant of Uncertain Significance.